The following is an entry in ClinVar:

ClinVar aggregate classification (germline): Uncertain significance (1 of 4 stars; one submission).

Conditions:
Hereditary cancer-predisposing syndrome. Also called: Tumor predisposition; Neoplastic Syndromes, Hereditary; Hereditary neoplastic syndrome; Hereditary Cancer Syndrome. Identifiers: Orphanet 140162, MedGen C0027672, MeSH D009386, MONDO:0015356.

gnomAD v4.1: 5 of 1,613,644 alleles (0.00031%); highest among the groups gnomAD compares: Non-Finnish European, 0.000085%; no homozygotes.

Submission:

Ambry Genetics
Classification: Uncertain significance for Hereditary cancer-predisposing syndrome. Last evaluated: 2025-07-17. Review status: criteria provided, single submitter. Criteria: Ambry Variant Classification Scheme 2023. Collection method: clinical testing. Allele origin: germline.
Comment: The p.T603P variant (also known as c.1807A>C), located in coding exon 15 of the MRE11A gene, results from an A to C substitution at nucleotide position 1807. The threonine at codon 603 is replaced by proline, an amino acid with highly similar properties. This amino acid position is conserved. In addition, this alteration is predicted to be tolerated by in silico analysis. Based on the available evidence, the clinical significance of this variant remains unclear.

NM_005591.4(MRE11):c.1807A>C (p.Thr603Pro)

Gene: MRE11 (MRE11 double strand break repair nuclease; minus strand). Cytogenetic location: 11q21.
Variant type: single nucleotide variant.
Coding change: c.1807A>C on transcript NM_005591.4 (MANE Select); coding-DNA position 1807, A replaced by C.
Protein change: p.Thr603Pro; replaces threonine 603 with proline.
Molecular consequence: missense variant. On other transcripts: intron variant (6).
Genome position (GRCh38, 1-based): chr11:94,445,870, T>G on the plus strand (A>C on the coding strand, the complement: MRE11 is on the minus strand). VCF-style: chr11-94445870-T-G. GRCh37 (hg19) VCF-style: chr11-94179036-T-G.
Other names: c.1804A>C, p.Thr602Pro (NM_001330347.2, NM_001440464.1, NM_001440465.1); c.1807A>C, p.Thr603Pro (NM_001440460.1, NM_001440461.1, NM_001440462.1 and 2 more transcripts); c.1744A>C, p.Thr582Pro (NM_001440467.1, NM_001440468.1, NM_001440469.1); c.1741A>C, p.Thr581Pro (NM_001440470.1); c.1732A>C, p.Thr578Pro (NM_001440471.1); c.1729A>C, p.Thr577Pro (NM_001440472.1); c.1726A>C, p.Thr576Pro (NM_001440473.1); c.1723A>C, p.Thr575Pro (NM_001440477.1, NM_001440478.1); and 6 more; short protein forms T488P, T577P, T487P, T576P, T602P, T447P, T557P, T575P.
Identifiers: ClinVar variation 4110086 (VCV004110086.1).